The following is an entry in ClinVar:

ClinVar aggregate classification (germline): Uncertain significance (1 of 4 stars; one submission).

Conditions:
Hereditary cancer-predisposing syndrome. Also called: Neoplastic Syndromes, Hereditary; Tumor predisposition; Hereditary Cancer Syndrome; Hereditary neoplastic syndrome. Identifiers: Orphanet 140162, MedGen C0027672, MeSH D009386, MONDO:0015356.

Allele frequency attached by ClinVar (database versions not stated): gnomAD exomes 0.00001.
gnomAD v4.1: 4 of 1,612,668 alleles (0.00025%); highest among the groups gnomAD compares: Non-Finnish European, 0.00034%; no homozygotes.

Submission:

Ambry Genetics
Classification: Uncertain significance for Hereditary cancer-predisposing syndrome. Last evaluated: 2025-08-28. Review status: criteria provided, single submitter. Criteria: Ambry Variant Classification Scheme 2023. Collection method: clinical testing. Allele origin: germline.
Comment: The p.E213G variant (also known as c.638A>G), located in coding exon 6 of the FANCC gene, results from an A to G substitution at nucleotide position 638. The glutamic acid at codon 213 is replaced by glycine, an amino acid with similar properties. This amino acid position is highly conserved in available vertebrate species. In addition, the in silico prediction for this alteration is inconclusive. Since supporting evidence is limited at this time, the clinical significance of this alteration remains unclear.

NM_000136.3(FANCC):c.638A>G (p.Glu213Gly)

Genes: FANCC (FA complementation group C; minus strand), AOPEP (aminopeptidase O (putative); plus strand). Cytogenetic location: 9q22.32.
Variant type: single nucleotide variant.
Coding change: c.638A>G on transcript NM_000136.3 (MANE Select); coding-DNA position 638, A replaced by G.
Protein change: p.Glu213Gly; replaces glutamic acid 213 with glycine.
Molecular consequence: missense variant.
Genome position (GRCh38, 1-based): chr9:95,149,971, T>C on the plus strand (A>G on the coding strand, the complement: FANCC is on the minus strand). VCF-style: chr9-95149971-T-C. GRCh37 (hg19) VCF-style: chr9-97912253-T-C.
Other names: c.638A>G, p.Glu213Gly (NM_001243743.2, NM_001243744.2); short protein forms E213G.
Identifiers: ClinVar variation 1753208 (VCV001753208.4), dbSNP rs1234683997, ClinGen allele CA374109614.